The following is an entry in ClinVar:

NM_005560.6(LAMA5):c.6754G>A (p.Gly2252Ser)

Gene: LAMA5 (laminin subunit alpha 5; minus strand). Cytogenetic location: 20q13.33.
Variant type: single nucleotide variant.
Coding change: c.6754G>A on transcript NM_005560.6 (MANE Select); coding-DNA position 6754, G replaced by A.
Protein change: p.Gly2252Ser; replaces glycine 2252 with serine.
Molecular consequence: missense variant.
Genome position (GRCh38, 1-based): chr20:62,320,564, C>T on the plus strand (G>A on the coding strand, the complement: LAMA5 is on the minus strand). VCF-style: chr20-62320564-C-T. GRCh37 (hg19) VCF-style: chr20-60895620-C-T.
Other names: c.6754G>A (NM_005560.3); short protein forms G2252S.
Identifiers: ClinVar variation 736896 (VCV000736896.11), dbSNP rs202167421, ClinGen allele CA9941580.

ClinVar aggregate classification (germline): Benign/Likely benign. Review status: criteria provided, multiple submitters, no conflicts (2 of 4 stars). 3 submissions from 3 submitters: Benign (1); Likely benign (1). 1 of the submissions does not count toward it. Last evaluated 2026-01-11.

Conditions:
LAMA5-related disorder. Also called: LAMA5-related condition; LAMA5-Related Disorders.
Inborn genetic diseases. Identifiers: MedGen C0950123, MeSH D030342.

Allele frequency attached by ClinVar (database versions not stated): gnomAD exomes 0.00041; ESP Exome Variant Server 0.00119; gnomAD 0.00165 and 0.00171; TOPMed 0.00186; 1000 Genomes Project 30x 0.00219; 1000 Genomes Project 0.00260.

Submissions (3):

Labcorp Genetics (formerly Invitae), Labcorp
Classification: Benign. Last evaluated: 2026-01-11. Review status: criteria provided, single submitter. Criteria: Invitae Variant Classification Sherloc (09022015). Collection method: clinical testing. Allele origin: germline.

Ambry Genetics
Classification: Likely benign for Inborn genetic diseases. Last evaluated: 2025-08-04. Review status: criteria provided, single submitter. Criteria: Ambry Variant Classification Scheme 2023. Collection method: clinical testing. Allele origin: germline.

PreventionGenetics, part of Exact Sciences
Classification: Likely benign for LAMA5-related condition. Last evaluated: 2020-06-18. Review status: no assertion criteria provided. Collection method: clinical testing. Allele origin: germline. Not counted in ClinVar's aggregate classification.
Comment: This variant is classified as likely benign based on ACMG/AMP sequence variant interpretation guidelines (Richards et al. 2015 PMID: 25741868, with internal and published modifications).